The following is an entry in ClinVar:

NC_000002.11:g.(?_42275340)_(42284828_?)dup

Gene: PKDCC (protein kinase domain containing, cytoplasmic; plus strand). Cytogenetic location: 2p21.
Variant type: Duplication.
Identifiers: ClinVar variation 1412703 (VCV001412703.4).

ClinVar aggregate classification (germline): Uncertain significance (1 of 4 stars; one submission).

Submission:

Labcorp Genetics (formerly Invitae), Labcorp
Classification: Uncertain significance. Last evaluated: 2022-06-15. Review status: criteria provided, single submitter. Criteria: Invitae Variant Classification Sherloc (09022015). Collection method: clinical testing. Allele origin: germline.
Comment: A copy number gain of the genomic region encompassing the full coding sequence of the PKDCC gene has been identified. The boundaries of this event are unknown as they extend beyond the assayed region for this gene and therefore may encompass additional genes. As the precise location of this event is unknown, it may be in tandem or it may be located elsewhere in the genome. This variant has not been reported in the literature in individuals affected with PKDCC-related conditions. In summary, the available evidence is currently insufficient to determine the role of this variant in disease. Therefore, it has been classified as a Variant of Uncertain Significance.